The following is an entry in ClinVar:

NM_000089.4(COL1A2):c.432+6T>C

Gene: COL1A2 (collagen type I alpha 2 chain; plus strand). Cytogenetic location: 7q21.3.
Variant type: single nucleotide variant.
Coding change: c.432+6T>C on transcript NM_000089.4 (MANE Select); 6 bases into the intron after coding-DNA position 432, T replaced by C.
Molecular consequence: intron variant.
Genome position (GRCh38, 1-based): chr7:94,404,898, T>C. VCF-style: chr7-94404898-T-C. GRCh37 (hg19) VCF-style: chr7-94034210-T-C.
Identifiers: ClinVar variation 1810598 (VCV001810598.4), dbSNP rs377283022, ClinGen allele CA162914497.

ClinVar aggregate classification (germline): Uncertain significance. Review status: criteria provided, multiple submitters, no conflicts (2 of 4 stars). 2 submissions from 2 submitters: Uncertain significance (2). Last evaluated 2025-03-27.

Conditions:
Ehlers-Danlos syndrome, classic type, 1 (EDSCL1). Also called: EHLERS-DANLOS SYNDROME, GRAVIS TYPE; EHLERS-DANLOS SYNDROME, SEVERE CLASSIC TYPE; Ehlers-Danlos syndrome, type 1; EDS I; Ehlers-Danlos Syndrome, Classic Type, COL5A1-Related. Identifiers: MedGen C0268335, MONDO:0019567, OMIM 130000.
Osteogenesis imperfecta type I (OI1). Also called: Classic Non-deforming Osteogenesis Imperfecta with Blue Sclerae; OI, TYPE I; OSTEOGENESIS IMPERFECTA TARDA; OSTEOGENESIS IMPERFECTA WITH BLUE SCLERAE; Osteogenesis imperfecta type 1; Lobstein's Disease. Identifiers: Orphanet 216796, Orphanet 666, MedGen C0023931, MONDO:0008146, OMIM 166200. Disease mechanism: loss of function.

Allele frequency attached by ClinVar (database versions not stated): gnomAD 0.00003; ESP Exome Variant Server 0.00008; TOPMed 0.00006.
gnomAD v4.1: 6 of 1,613,812 alleles (0.00037%); highest among the groups gnomAD compares: African/African-American, 0.0067%; no homozygotes.

Submissions (2):

GeneDx
Classification: Uncertain significance. Last evaluated: 2025-03-27. Review status: criteria provided, single submitter. Criteria: GeneDx Variant Classification Process June 2021. Collection method: clinical testing. Allele origin: germline.
Comment: Has not been previously published as pathogenic or benign to our knowledge; In silico analysis is inconclusive as to whether the variant alters gene splicing. In the absence of RNA/functional studies, the actual effect of this sequence change is unknown.

Labcorp Genetics (formerly Invitae), Labcorp
Classification: Uncertain significance for Osteogenesis imperfecta type I; Ehlers-Danlos syndrome, classic type, 1. Last evaluated: 2024-11-18. Review status: criteria provided, single submitter. Criteria: Invitae Variant Classification Sherloc (09022015). Collection method: clinical testing. Allele origin: germline.
Comment: This sequence change falls in intron 9 of the COL1A2 gene. It does not directly change the encoded amino acid sequence of the COL1A2 protein. It affects a nucleotide within the consensus splice site. This variant is present in population databases (rs377283022, gnomAD 0.02%). This variant has not been reported in the literature in individuals affected with COL1A2-related conditions. ClinVar contains an entry for this variant (Variation ID: 1810598). Variants that disrupt the consensus splice site are a relatively common cause of aberrant splicing (PMID: 17576681, 9536098). Algorithms developed to predict the effect of sequence changes on RNA splicing suggest that this variant is not likely to affect RNA splicing. In summary, the available evidence is currently insufficient to determine the role of this variant in disease. Therefore, it has been classified as a Variant of Uncertain Significance.

Literature cited by the submitters: PubMed 17576681 (cited by Labcorp Genetics (formerly Invitae), Labcorp); PubMed 9536098 (cited by Labcorp Genetics (formerly Invitae), Labcorp).